The following is an entry in ClinVar:

ClinVar aggregate classification (germline): Uncertain significance (1 of 4 stars; one submission).

Allele frequency attached by ClinVar (database versions not stated): TOPMed below 0.00001; gnomAD 0.00001.
gnomAD v4.1: 1 of 1,613,598 alleles (0.000062%); highest among the groups gnomAD compares: African/African-American, 0.0013%; no homozygotes.

Submission:

Labcorp Genetics (formerly Invitae), Labcorp
Classification: Uncertain significance. Last evaluated: 2023-08-04. Review status: criteria provided, single submitter. Criteria: Invitae Variant Classification Sherloc (09022015). Collection method: clinical testing. Allele origin: germline.
Comment: This sequence change replaces proline, which is neutral and non-polar, with leucine, which is neutral and non-polar, at codon 180 of the TRRAP protein (p.Pro180Leu). This variant is present in population databases (no rsID available, gnomAD 0.007%). This variant has not been reported in the literature in individuals affected with TRRAP-related conditions. Advanced modeling of protein sequence and biophysical properties (such as structural, functional, and spatial information, amino acid conservation, physicochemical variation, residue mobility, and thermodynamic stability) performed at Invitae indicates that this missense variant is not expected to disrupt TRRAP protein function. In summary, the available evidence is currently insufficient to determine the role of this variant in disease. Therefore, it has been classified as a Variant of Uncertain Significance.

NM_001375524.1(TRRAP):c.539C>T (p.Pro180Leu)

Gene: TRRAP (transformation/transcription domain associated protein; plus strand). Cytogenetic location: 7q22.1.
Variant type: single nucleotide variant.
Coding change: c.539C>T on transcript NM_001375524.1 (MANE Select); coding-DNA position 539, C replaced by T.
Protein change: p.Pro180Leu; replaces proline 180 with leucine.
Molecular consequence: missense variant.
Genome position (GRCh38, 1-based): chr7:98,897,772, C>T. VCF-style: chr7-98897772-C-T. GRCh37 (hg19) VCF-style: chr7-98495395-C-T.
Other names: c.539C>T, p.Pro180Leu (NM_001244580.2, NM_003496.4); short protein forms P180L.
Identifiers: ClinVar variation 2806551 (VCV002806551.3), dbSNP rs1554406003, ClinGen allele CA368279442.
Genomic context (GRCh38, chr7:98,897,772, plus strand): 5'-GAAAAAATATTTTTATGACTTTTATGTAGAACCGCTACTTTGAGAACCCTCAAGTGATCC[C>T]CGAGAACACAGTGCCTCCCCCAGAAATGGTTGGTATGATAACAACGATTGCTGTGAAAGT-3'
Protein context (NP_001362453.1, residues 170-190): NRYFENPQVI[Pro180Leu]ENTVPPPEMV